The following is an entry in ClinVar:

NM_014000.3(VCL):c.2602G>A (p.Gly868Ser)

Gene: VCL (vinculin; plus strand). Cytogenetic location: 10q22.2.
Variant type: single nucleotide variant.
Coding change: c.2602G>A on transcript NM_014000.3 (MANE Select); coding-DNA position 2602, G replaced by A.
Protein change: p.Gly868Ser; replaces glycine 868 with serine.
Molecular consequence: missense variant.
Genome position (GRCh38, 1-based): chr10:74,109,013, G>A. VCF-style: chr10-74109013-G-A. GRCh37 (hg19) VCF-style: chr10-75868771-G-A.
Other names: c.2602G>A, p.Gly868Ser (NM_003373.4); short protein forms G868S.
Identifiers: ClinVar variation 1046128 (VCV001046128.11), dbSNP rs960636997, ClinGen allele CA209696651.

ClinVar aggregate classification (germline): Uncertain significance. Review status: criteria provided, multiple submitters, no conflicts (2 of 4 stars). 2 submissions from 2 submitters: Uncertain significance (2). Last evaluated 2024-08-03.

Conditions:
Cardiovascular phenotype. Identifiers: MedGen CN230736.
Dilated cardiomyopathy 1W (CMD1W). Identifiers: Orphanet 154, MedGen C1969639, MONDO:0012667, OMIM 611407.

Allele frequency attached by ClinVar (database versions not stated): gnomAD exomes below 0.00001; gnomAD 0.00001; TOPMed 0.00001.
gnomAD v4.1: 3 of 1,614,028 alleles (0.00019%); highest among the groups gnomAD compares: Non-Finnish European, 0.00025%; no homozygotes.

Submissions (2):

Ambry Genetics
Classification: Uncertain significance for Cardiovascular phenotype. Last evaluated: 2024-08-03. Review status: criteria provided, single submitter. Criteria: Ambry Variant Classification Scheme 2023. Collection method: clinical testing. Allele origin: germline.
Comment: The p.G868S variant (also known as c.2602G>A), located in coding exon 18 of the VCL gene, results from a G to A substitution at nucleotide position 2602. The glycine at codon 868 is replaced by serine, an amino acid with similar properties. This amino acid position is highly conserved in available vertebrate species. In addition, this alteration is predicted to be tolerated by in silico analysis. Since supporting evidence is limited at this time, the clinical significance of this alteration remains unclear.

Labcorp Genetics (formerly Invitae), Labcorp
Classification: Uncertain significance for Dilated cardiomyopathy 1W. Last evaluated: 2023-08-09. Review status: criteria provided, single submitter. Criteria: Invitae Variant Classification Sherloc (09022015). Collection method: clinical testing. Allele origin: germline.
Comment: In summary, the available evidence is currently insufficient to determine the role of this variant in disease. Therefore, it has been classified as a Variant of Uncertain Significance. An algorithm developed to predict the effect of missense changes on protein structure and function (PolyPhen-2) suggests that this variant is likely to be disruptive. ClinVar contains an entry for this variant (Variation ID: 1046128). This missense change has been observed in individual(s) with dilated cardiomyopathy (Invitae). This variant is not present in population databases (gnomAD no frequency). This sequence change replaces glycine, which is neutral and non-polar, with serine, which is neutral and polar, at codon 868 of the VCL protein (p.Gly868Ser).